The following is an entry in ClinVar:

ClinVar aggregate classification (germline): Uncertain significance (1 of 4 stars; one submission).

Allele frequency attached by ClinVar (database versions not stated): TOPMed 0.00006; ExAC 0.00006; 1000 Genomes Project 30x 0.00016; gnomAD 0.00008; gnomAD exomes 0.00015; ESP Exome Variant Server 0.00016.
gnomAD v4.1: 222 of 1,613,654 alleles (0.014%); highest among the groups gnomAD compares: Non-Finnish European, 0.018%; no homozygotes.

Submission:

Ambry Genetics
Classification: Uncertain significance. Last evaluated: 2025-03-17. Review status: criteria provided, single submitter. Criteria: Ambry Variant Classification Scheme 2023. Collection method: clinical testing. Allele origin: germline.
Comment: The c.1604G>A (p.R535Q) alteration is located in exon (coding exon ) of the SH3RF3 gene. This alteration results from a G to A substitution at nucleotide position 1604, causing the arginine (R) at amino acid position 535 to be replaced by a glutamine (Q). Based on insufficient or conflicting evidence, the clinical significance of this alteration remains unclear.

NM_001099289.3(SH3RF3):c.1604G>A (p.Arg535Gln)

Genes: RANBP2 (RAN binding protein 2; plus strand), SH3RF3 (SH3 domain containing ring finger 3; plus strand). Cytogenetic location: 2q13.
Variant type: single nucleotide variant.
Coding change: c.1604G>A on transcript NM_001099289.3 (MANE Select); coding-DNA position 1604, G replaced by A.
Protein change: p.Arg535Gln; replaces arginine 535 with glutamine.
Molecular consequence: missense variant.
Genome position (GRCh38, 1-based): chr2:109,436,922, G>A. VCF-style: chr2-109436922-G-A. GRCh37 (hg19) VCF-style: chr2-110053378-G-A.
Other names: short protein forms R535Q.
Identifiers: ClinVar variation 3161412 (VCV003161412.2), dbSNP rs368939769, ClinGen allele CA1825711.